The following is an entry in ClinVar:

ClinVar aggregate classification (germline): Uncertain significance (1 of 4 stars; one submission).

Allele frequency attached by ClinVar (database versions not stated): gnomAD exomes below 0.00001; gnomAD 0.00001; TOPMed 0.00002.
gnomAD v4.1: 3 of 1,610,116 alleles (0.00019%); highest among the groups gnomAD compares: African/African-American, 0.0027%; no homozygotes.

Submission:

Labcorp Genetics (formerly Invitae), Labcorp
Classification: Uncertain significance. Last evaluated: 2022-07-06. Review status: criteria provided, single submitter. Criteria: Invitae Variant Classification Sherloc (09022015). Collection method: clinical testing. Allele origin: germline.
Comment: In summary, the available evidence is currently insufficient to determine the role of this variant in disease. Therefore, it has been classified as a Variant of Uncertain Significance. Algorithms developed to predict the effect of missense changes on protein structure and function are either unavailable or do not agree on the potential impact of this missense change (SIFT: "Deleterious"; PolyPhen-2: "Possibly Damaging"; Align-GVGD: "Class C0"). ClinVar contains an entry for this variant (Variation ID: 1469697). This variant has not been reported in the literature in individuals affected with TUBGCP6-related conditions. This variant is present in population databases (no rsID available, gnomAD 0.007%). This sequence change replaces valine, which is neutral and non-polar, with alanine, which is neutral and non-polar, at codon 540 of the TUBGCP6 protein (p.Val540Ala).

NM_020461.4(TUBGCP6):c.1619T>C (p.Val540Ala)

Gene: TUBGCP6 (tubulin gamma complex component 6; minus strand). Cytogenetic location: 22q13.33.
Variant type: single nucleotide variant.
Coding change: c.1619T>C on transcript NM_020461.4 (MANE Select); coding-DNA position 1619, T replaced by C.
Protein change: p.Val540Ala; replaces valine 540 with alanine.
Molecular consequence: missense variant.
Genome position (GRCh38, 1-based): chr22:50,226,361, A>G on the plus strand (T>C on the coding strand, the complement: TUBGCP6 is on the minus strand). VCF-style: chr22-50226361-A-G. GRCh37 (hg19) VCF-style: chr22-50664790-A-G.
Other names: short protein forms V540A.
Identifiers: ClinVar variation 1469697 (VCV001469697.8), dbSNP rs907748116, ClinGen allele CA325466153.